The following is an entry in ClinVar:

NM_198525.3(KIF7):c.3665-5G>A

Genes: KIF7 (kinesin family member 7; minus strand), LOC126862216 (BRD4-independent group 4 enhancer GRCh37_chr15:90171995-90173194; plus strand). Cytogenetic location: 15q26.1.
Variant type: single nucleotide variant.
Coding change: c.3665-5G>A on transcript NM_198525.3 (MANE Select); 5 bases into the intron before coding-DNA position 3665, G replaced by A.
Molecular consequence: intron variant.
Genome position (GRCh38, 1-based): chr15:89,628,791, C>T on the plus strand (G>A on the coding strand, the complement: KIF7 is on the minus strand). VCF-style: chr15-89628791-C-T. GRCh37 (hg19) VCF-style: chr15-90172022-C-T.
Identifiers: ClinVar variation 194997 (VCV000194997.42), dbSNP rs79532879, ClinGen allele CA020374.

ClinVar aggregate classification (germline): Conflicting classifications of pathogenicity. Review status: criteria provided, conflicting classifications (1 of 4 stars). 6 submissions from 6 submitters: Uncertain significance (1); Benign (4); Likely benign (1). Last evaluated 2025-12-19.

Conditions:
Acrocallosal syndrome (ACLS). Also called: Schinzel syndrome 1; Absence of corpus callosum with unusual facial appearance, mental deficiency, duplication of the halluces and polydactyly; HALLUX DUPLICATION, POSTAXIAL POLYDACTYLY, AND ABSENCE OF CORPUS CALLOSUM. Identifiers: Orphanet 36, MedGen C0796147, MONDO:0008708, OMIM 200990.

Allele frequency attached by ClinVar (database versions not stated): gnomAD 0.00031 and 0.00050; gnomAD exomes 0.00048 and 0.00111; TOPMed 0.00053; ExAC 0.00105; 1000 Genomes Project 30x 0.00297; 1000 Genomes Project 0.00300.
gnomAD v4.1: 781 of 1,611,792 alleles (0.048%); highest among the groups gnomAD compares: East Asian, 1.6%; 8 homozygotes.

Submissions (6):

Labcorp Genetics (formerly Invitae), Labcorp
Classification: Benign for Acrocallosal syndrome. Last evaluated: 2025-12-19. Review status: criteria provided, single submitter. Criteria: Invitae Variant Classification Sherloc (09022015). Collection method: clinical testing. Allele origin: germline.

Blueprint Genetics
Classification: Likely benign. Last evaluated: 2024-04-11. Review status: criteria provided, single submitter. Criteria: ACMG Guidelines, 2015. Collection method: clinical testing. Allele origin: germline.

CeGaT Center for Human Genetics Tuebingen
Classification: Benign. Last evaluated: 2024-03-01. Review status: criteria provided, single submitter. Criteria: CeGaT Center For Human Genetics Tuebingen Variant Classification Criteria Version 2. Collection method: clinical testing. Allele origin: germline. Affected: yes. Observed: 1 variant allele.
Comment: KIF7: BP4, BS1, BS2

Illumina Laboratory Services, Illumina
Classification: Benign for Acrocallosal syndrome. Last evaluated: 2018-01-12. Review status: criteria provided, single submitter. Criteria: ICSL Variant Classification Criteria 13 December 2019. Collection method: clinical testing. Allele origin: germline.
Comment: This variant was observed in the ICSL laboratory as part of a predisposition screen in an ostensibly healthy population. It had not been previously curated by ICSL or reported in the Human Gene Mutation Database (HGMD: prior to June 1st, 2018), and was therefore a candidate for classification through an automated scoring system. Utilizing variant allele frequency, disease prevalence and penetrance estimates, and inheritance mode, an automated score was calculated to assess if this variant is too frequent to cause the disease. Based on the score and internal cut-off values, a variant classified as benign is not then subjected to further curation. The score for this variant resulted in a classification of benign for this disease.

Eurofins Ntd Llc (ga)
Classification: Uncertain significance. Last evaluated: 2014-10-20. Review status: criteria provided, single submitter. Criteria: EGL Classification Definitions 2015. Collection method: clinical testing. Allele origin: germline. Observed: 1 variant allele, 1 heterozygote.

PreventionGenetics, part of Exact Sciences
Classification: Benign. Review status: criteria provided, single submitter. Criteria: ACMG Guidelines, 2015. Collection method: clinical testing. Allele origin: germline.